The following is an entry in ClinVar:

NM_000254.3(MTR):c.2474-3T>A

Gene: MTR (5-methyltetrahydrofolate-homocysteine methyltransferase; plus strand). Cytogenetic location: 1q43.
Variant type: single nucleotide variant.
Coding change: c.2474-3T>A on transcript NM_000254.3 (MANE Select); 3 bases into the intron before coding-DNA position 2474, T replaced by A.
Molecular consequence: intron variant.
Genome position (GRCh38, 1-based): chr1:236,874,723, T>A. VCF-style: chr1-236874723-T-A. GRCh37 (hg19) VCF-style: chr1-237038023-T-A.
Other names: c.2321-3T>A (NM_001291939.1); c.1253-3T>A (NM_001291940.2).
Identifiers: ClinVar variation 1346968 (VCV001346968.3), dbSNP rs771491872, ClinGen allele CA1474430.
Genomic context (GRCh38, chr1:236,874,723, plus strand): 5'-CTTTTTCTTTCATCTTCCTCACTGTCCTTTTTGTCCTTTTTTTTTTAAAAAAAAAAAAAA[T>A]AGATATAATTGGCCTGTCAGGACTCATCACTCCTTCCCTGGATGAAATGATTTTTGTTGC-3'

ClinVar aggregate classification (germline): Uncertain significance (1 of 4 stars; one submission).

Conditions:
Methylcobalamin deficiency type cblG (HMAG). Also called: HOMOCYSTINURIA-MEGALOBLASTIC ANEMIA, cblG COMPLEMENTATION TYPE; HOMOCYSTINURIA-MEGALOBLASTIC ANEMIA, cblG TYPE; Functional methionine synthase deficiency type cblG; HOMOCYSTINURIA-MEGALOBLASTIC ANEMIA DUE TO DEFECT IN COBALAMIN METABOLISM, cblG COMPLEMENTATION TYPE. Identifiers: Orphanet 2170, Orphanet 622, MedGen C1855128, MONDO:0009609, OMIM 250940.

Allele frequency attached by ClinVar (database versions not stated): gnomAD 0.00007; gnomAD exomes 0.00065.

Submission:

Labcorp Genetics (formerly Invitae), Labcorp
Classification: Uncertain significance for Methylcobalamin deficiency type cblG. Last evaluated: 2022-05-27. Review status: criteria provided, single submitter. Criteria: Invitae Variant Classification Sherloc (09022015). Collection method: clinical testing. Allele origin: germline.
Comment: This sequence change falls in intron 23 of the MTR gene. It does not directly change the encoded amino acid sequence of the MTR protein. It affects a nucleotide within the consensus splice site. The frequency data for this variant in the population databases is considered unreliable, as metrics indicate poor data quality at this position in the gnomAD database. This variant has not been reported in the literature in individuals affected with MTR-related conditions. Variants that disrupt the consensus splice site are a relatively common cause of aberrant splicing (PMID: 17576681, 9536098). Algorithms developed to predict the effect of sequence changes on RNA splicing suggest that this variant is not likely to affect RNA splicing. In summary, the available evidence is currently insufficient to determine the role of this variant in disease. Therefore, it has been classified as a Variant of Uncertain Significance.

Literature cited by the submitters: PubMed 17576681; PubMed 9536098.